The following is an entry in ClinVar:

NC_000023.10:g.(?_22231001)_(22245748_?)dup

Gene: PHEX (phosphate regulating endopeptidase X-linked; plus strand). Cytogenetic location: Xp22.11.
Variant type: Duplication.
Identifiers: ClinVar variation 3246110 (VCV003246110.1).

ClinVar aggregate classification (germline): Pathogenic (1 of 4 stars; one submission).

Submission:

Labcorp Genetics (formerly Invitae), Labcorp
Classification: Pathogenic. Last evaluated: 2023-03-20. Review status: criteria provided, single submitter. Criteria: Invitae Variant Classification Sherloc (09022015). Collection method: clinical testing. Allele origin: unknown.
Comment: A similar copy number variant has been observed in individuals with clinical features of X-linked hypophosphatemia (PMID: 22695891; Invitae). For these reasons, this variant has been classified as Pathogenic. This variant results in a copy number gain of the genomic region encompassing exon(s) 16-20 of the PHEX gene. While the exact position of this variant cannot be determined from the data, sub-genic copy number gains are generally in tandem (PMID: 25640679). This variant is predicted to be out-of-frame, and may result in an absent or disrupted protein product. Loss-of-function variants in PHEX are known to be pathogenic (PMID: 9097956, 9106524, 19219621).

Literature cited by the submitters: PubMed 22695891; PubMed 25640679; PubMed 9097956; PubMed 9106524; PubMed 19219621.